The following is an entry in ClinVar:

NM_000288.4(PEX7):c.234C>A (p.Asn78Lys)

Gene: PEX7 (peroxisomal biogenesis factor 7; plus strand). Cytogenetic location: 6q23.3.
Variant type: single nucleotide variant.
Coding change: c.234C>A on transcript NM_000288.4 (MANE Select); coding-DNA position 234, C replaced by A.
Protein change: p.Asn78Lys; replaces asparagine 78 with lysine.
Molecular consequence: missense variant.
Genome position (GRCh38, 1-based): chr6:136,826,364, C>A. VCF-style: chr6-136826364-C-A. GRCh37 (hg19) VCF-style: chr6-137147502-C-A.
Other names: short protein forms N78K.
Identifiers: ClinVar variation 994433 (VCV000994433.23), dbSNP rs560350898, ClinGen allele CA4017532.
Genomic context (GRCh38, chr6:136,826,364, plus strand): 5'-TTTTTCCTAGTGTAGCTTTGACTGGAATGATGGTTTGTTTGATGTGACTTGGAGTGAGAA[C>A]AACGAACATGTCCTCATCACCTGTAGTGGCGATGGCTCGCTGCAGCTCTGGGACACTGCC-3'
Protein context (NP_000279.1, residues 68-88): DGLFDVTWSE[Asn78Lys]NEHVLITCSG

ClinVar aggregate classification (germline): Conflicting classifications of pathogenicity. Review status: criteria provided, conflicting classifications (1 of 4 stars). 6 submissions from 6 submitters: Uncertain significance (4); Likely benign (1). 1 of the submissions does not count toward it. Last evaluated 2026-01-20.

Conditions:
Peroxisome biogenesis disorder 9B. Also called: PEX7-Related Refsum Disease; PEROXISOME BIOGENESIS DISORDER, PEX7-RELATED, ATYPICAL; Refsum disease, adult, 2. Identifiers: Orphanet 773, MedGen C2749346, MONDO:0013945, OMIM 614879.
Inborn genetic diseases. Identifiers: MedGen C0950123, MeSH D030342.
PEX7-related disorder. Also called: PEX7-related disorders; PEX7-related condition. Identifiers: MedGen CN239409.

Allele frequency attached by ClinVar (database versions not stated): gnomAD below 0.00001 and 0.00002; gnomAD exomes 0.00006 and 0.00009; 1000 Genomes Project 0.00040; ExAC 0.00010; 1000 Genomes Project 30x 0.00031.

Submissions (6):

Ambry Genetics
Classification: Uncertain significance for Inborn genetic diseases. Last evaluated: 2026-01-20. Review status: criteria provided, single submitter. Criteria: Ambry Variant Classification Scheme 2023. Collection method: clinical testing. Allele origin: germline.
Comment: The c.234C>A (p.N78K) alteration is located in exon 3 (coding exon 3) of the PEX7 gene. This alteration results from a C to A substitution at nucleotide position 234, causing the asparagine (N) at amino acid position 78 to be replaced by a lysine (K). Based on data from gnomAD, the A allele has an overall frequency of 0.009% (23/251482) total alleles studied. The highest observed frequency was 0.069% (21/30616) of South Asian alleles. Based on insufficient or conflicting evidence, the clinical significance of this alteration remains unclear.

Labcorp Genetics (formerly Invitae), Labcorp
Classification: Likely benign for Peroxisome biogenesis disorder 9B. Last evaluated: 2026-01-04. Review status: criteria provided, single submitter. Criteria: Invitae Variant Classification Sherloc (09022015). Collection method: clinical testing. Allele origin: germline.

GeneDx
Classification: Uncertain significance. Last evaluated: 2025-04-16. Review status: criteria provided, single submitter. Criteria: GeneDx Variant Classification Process June 2021. Collection method: clinical testing. Allele origin: germline.
Comment: In silico analysis indicates that this missense variant does not alter protein structure/function; Has not been previously published as pathogenic or benign to our knowledge

Blueprint Genetics
Classification: Uncertain significance. Last evaluated: 2023-09-13. Review status: criteria provided, single submitter. Criteria: ACMG Guidelines, 2015. Collection method: clinical testing. Allele origin: germline.

ARUP Laboratories, Molecular Genetics and Genomics, ARUP Laboratories
Classification: Uncertain significance. Last evaluated: 2019-10-18. Review status: criteria provided, single submitter. Criteria: ARUP Molecular Germline Variant Investigation Process. Collection method: clinical testing. Allele origin: germline.
Comment: The PEX7 c.234C>A; p.Asn78Lys variant (rs560350898), to our knowledge, is not reported in the medical literature or gene specific databases. This variant is found in the South Asian population with an allele frequency of 0.069% (21/30616 alleles) in the Genome Aggregation Database. The asparagine at codon 78 is moderately conserved, and computational analyses (SIFT, PolyPhen-2) predict that this variant is tolerated. Due to limited information, the clinical significance of the p.Asn78Lys variant is uncertain at this time.

PreventionGenetics, part of Exact Sciences
Classification: Uncertain significance for PEX7-related condition. Last evaluated: 2024-09-21. Review status: no assertion criteria provided. Collection method: clinical testing. Allele origin: germline. Not counted in ClinVar's aggregate classification.
Comment: The PEX7 c.234C>A variant is predicted to result in the amino acid substitution p.Asn78Lys. To our knowledge, this variant has not been reported in the literature. This variant is reported in 0.069% of alleles in individuals of South Asian descent in gnomAD. Although we suspect that this variant may be benign, at this time, the clinical significance of this variant is uncertain due to the absence of conclusive functional and genetic evidence.